The following is an entry in ClinVar:

NM_033028.5(BBS4):c.134G>A (p.Arg45Gln)

Gene: BBS4 (Bardet-Biedl syndrome 4; plus strand). Cytogenetic location: 15q24.1.
Variant type: single nucleotide variant.
Coding change: c.134G>A on transcript NM_033028.5 (MANE Select); coding-DNA position 134, G replaced by A.
Protein change: p.Arg45Gln; replaces arginine 45 with glutamine.
Molecular consequence: missense variant. On other transcripts: 5 prime UTR variant (1), non-coding transcript variant (2).
Genome position (GRCh38, 1-based): chr15:72,709,757, G>A. VCF-style: chr15-72709757-G-A. GRCh37 (hg19) VCF-style: chr15-73002098-G-A.
Other names: c.-388G>A (NM_001252678.2); c.134G>A, p.Arg45Gln (NM_001320665.2); short protein forms R45Q.
Identifiers: ClinVar variation 847812 (VCV000847812.10), dbSNP rs1050164962, ClinGen allele CA272633189.
Genomic context (GRCh38, chr15:72,709,757, plus strand): 5'-TAGCTCCAGAGTTTCCTATTTTGGAGAAGCAGAACTGGTTGATTCATCTTCATTATATCC[G>A]GAAAGATTATGAAGCCTGCAAGGTAAGAGATTGCCATAATAATAAAAATGAGAGGCAGGA-3'
Protein context (NP_149017.2, residues 35-55): QNWLIHLHYI[Arg45Gln]KDYEACKAVI

ClinVar aggregate classification (germline): Uncertain significance. Review status: criteria provided, multiple submitters, no conflicts (2 of 4 stars). 3 submissions from 3 submitters: Uncertain significance (2). 1 of the submissions does not count toward it. Last evaluated 2024-03-04.

Conditions:
Bardet-Biedl syndrome 4 (BBS4). Identifiers: Orphanet 110, MedGen C2936864, MONDO:0014433, OMIM 615982.
BBS4-related disorder. Also called: BBS4-related condition.
Bardet-Biedl syndrome (BBS). Identifiers: Orphanet 110, MedGen C0752166, MONDO:0015229.

Allele frequency attached by ClinVar (database versions not stated): gnomAD 0.00001; gnomAD exomes 0.00001 and 0.00002; TOPMed 0.00001.
gnomAD v4.1: 31 of 1,613,350 alleles (0.0019%); highest among the groups gnomAD compares: East Asian, 0.011%; no homozygotes.

Submissions (4):

Fulgent Genetics
Classification: Uncertain significance for Bardet-Biedl syndrome 4. Last evaluated: 2024-03-04. Review status: criteria provided, single submitter. Criteria: ACMG Guidelines, 2015. Collection method: clinical testing. Allele origin: germline.

Labcorp Genetics (formerly Invitae), Labcorp
Classification: Uncertain significance for Bardet-Biedl syndrome. Last evaluated: 2022-08-09. Review status: criteria provided, single submitter. Criteria: Invitae Variant Classification Sherloc (09022015). Collection method: clinical testing. Allele origin: germline.
Comment: This sequence change replaces arginine, which is basic and polar, with glutamine, which is neutral and polar, at codon 45 of the BBS4 protein (p.Arg45Gln). The frequency data for this variant in the population databases is considered unreliable, as metrics indicate poor data quality at this position in the gnomAD database. This variant has not been reported in the literature in individuals affected with BBS4-related conditions. ClinVar contains an entry for this variant (Variation ID: 847812). Algorithms developed to predict the effect of missense changes on protein structure and function output the following: SIFT: "Tolerated"; PolyPhen-2: "Benign"; Align-GVGD: "Class C0". The glutamine amino acid residue is found in multiple mammalian species, which suggests that this missense change does not adversely affect protein function. Algorithms developed to predict the effect of sequence changes on RNA splicing suggest that this variant may create or strengthen a splice site. In summary, the available evidence is currently insufficient to determine the role of this variant in disease. Therefore, it has been classified as a Variant of Uncertain Significance.

PreventionGenetics, part of Exact Sciences
Classification: Uncertain significance for BBS4-related condition. Last evaluated: 2024-07-08. Review status: no assertion criteria provided. Collection method: clinical testing. Allele origin: germline. Not counted in ClinVar's aggregate classification.
Comment: The BBS4 c.134G>A variant is predicted to result in the amino acid substitution p.Arg45Gln. To our knowledge, this variant has not been reported in the literature. This variant is reported in 0.0033% of alleles in individuals of South Asian descent in gnomAD. At this time, the clinical significance of this variant is uncertain due to the absence of conclusive functional and genetic evidence.

Dr. Peter K. Rogan Lab, Western University
No classification provided (evidence only). Condition: Cervical cancer. Review status: no classification provided. Collection method: in vitro. Allele origin: not applicable. Functional consequence: retained intron. Not counted in ClinVar's aggregate classification.